The following is an entry in ClinVar:

ClinVar aggregate classification (germline): Uncertain significance. Review status: criteria provided, multiple submitters, no conflicts (2 of 4 stars). 5 submissions from 5 submitters: Uncertain significance (5). Last evaluated 2025-04-23.

Conditions:
Familial cancer of breast. Also called: BREAST CANCER, FAMILIAL; Hereditary breast cancer; hereditary breast carcinoma. Identifiers: Orphanet 227535, MedGen C0346153, MONDO:0016419, OMIM 114480. Disease mechanism: loss of function.
Ataxia-telangiectasia syndrome (AT). Also called: Ataxia telangiectasia (A-T); Ataxia-telangiectasia; Cerebello-oculocutaneous telangiectasia; Immunodeficiency with ataxia telangiectasia; ATAXIA-TELANGIECTASIA, FRESNO VARIANT; LOUIS-BAR SYNDROME. Identifiers: Orphanet 100, MedGen C0004135, MONDO:0008840, OMIM 208900.
Hereditary cancer-predisposing syndrome. Also called: Tumor predisposition; Hereditary Cancer Syndrome; Neoplastic Syndromes, Hereditary; Hereditary neoplastic syndrome. Identifiers: Orphanet 140162, MedGen C0027672, MeSH D009386, MONDO:0015356.

Submissions (5):

Labcorp Genetics (formerly Invitae), Labcorp
Classification: Uncertain significance for Ataxia-telangiectasia syndrome. Last evaluated: 2025-04-23. Review status: criteria provided, single submitter. Criteria: Invitae Variant Classification Sherloc (09022015). Collection method: clinical testing. Allele origin: germline.
Comment: This sequence change replaces isoleucine, which is neutral and non-polar, with threonine, which is neutral and polar, at codon 1271 of the ATM protein (p.Ile1271Thr). This variant is not present in population databases (gnomAD no frequency). This variant has not been reported in the literature in individuals affected with ATM-related conditions. ClinVar contains an entry for this variant (Variation ID: 975015). Invitae Evidence Modeling of protein sequence and biophysical properties (such as structural, functional, and spatial information, amino acid conservation, physicochemical variation, residue mobility, and thermodynamic stability) has been performed for this missense variant. However, the output from this modeling did not meet the statistical confidence thresholds required to predict the impact of this variant on ATM protein function. In summary, the available evidence is currently insufficient to determine the role of this variant in disease. Therefore, it has been classified as a Variant of Uncertain Significance.

KCCC/NGS Laboratory, Kuwait Cancer Control Center
Classification: Uncertain significance for Familial cancer of breast. Last evaluated: 2025-01-06. Review status: criteria provided, single submitter. Criteria: ACMG Guidelines, 2015. Collection method: clinical testing. Allele origin: germline. Inheritance: Autosomal dominant inheritance. Affected: yes. Observed: 1 heterozygote.
Comment: This sequence change replaces isoleucine, which is neutral and non-polar, with threonine, which is neutral and polar, at codon 1271 of the ATM protein (p.Ile1271Thr).This variant has not been reported in the literature in individuals affected with ATM-related conditions. This variant is not present in population databases (gnomAD no frequency). ClinVar contains an entry for this variant (Variation ID: 975015). In addition, the in silico prediction for this alteration is inconclusive. In summary, the available evidence is currently insufficient to determine the role of this variant in disease. Therefore, it has been classified as a Variant of Uncertain Significance. Pathogenic/likely pathogenic mutations in the ATM gene cause susceptibility to breast cancer (OMIM 114480).

Baylor Genetics
Classification: Uncertain significance for Familial cancer of breast. Last evaluated: 2024-02-02. Review status: criteria provided, single submitter. Criteria: ACMG Guidelines, 2015. Collection method: clinical testing. Allele origin: unknown.

Ambry Genetics
Classification: Uncertain significance for Hereditary cancer-predisposing syndrome. Last evaluated: 2023-06-29. Review status: criteria provided, single submitter. Criteria: Ambry Variant Classification Scheme 2023. Collection method: clinical testing. Allele origin: germline.
Comment: The p.I1271T variant (also known as c.3812T>C), located in coding exon 25 of the ATM gene, results from a T to C substitution at nucleotide position 3812. The isoleucine at codon 1271 is replaced by threonine, an amino acid with similar properties. This amino acid position is well conserved in available vertebrate species. In addition, the in silico prediction for this alteration is inconclusive. Since supporting evidence is limited at this time, the clinical significance of this alteration remains unclear.

Women's Health and Genetics/Laboratory Corporation of America, LabCorp
Classification: Uncertain significance. Last evaluated: 2020-07-30. Review status: criteria provided, single submitter. Criteria: LabCorp Variant Classification Summary - May 2015. Collection method: clinical testing. Allele origin: germline.
Comment: Variant summary: ATM c.3812T>C (p.Ile1271Thr) results in a non-conservative amino acid change in the encoded protein sequence. Four of five in-silico tools predict a damaging effect of the variant on protein function. The variant was absent in 251238 control chromosomes. The available data on variant occurrences in the general population are insufficient to allow any conclusion about variant significance. To our knowledge, no occurrence of c.3812T>C in individuals affected with Ataxia-Telangiectasia and no experimental evidence demonstrating its impact on protein function have been reported. No clinical diagnostic laboratories have submitted clinical-significance assessments for this variant to ClinVar after 2014. Based on the evidence outlined above, the variant was classified as uncertain significance.

NM_000051.4(ATM):c.3812T>C (p.Ile1271Thr)

Gene: ATM (ATM serine/threonine kinase; plus strand). Cytogenetic location: 11q22.3.
Variant type: single nucleotide variant.
Coding change: c.3812T>C on transcript NM_000051.4 (MANE Select); coding-DNA position 3812, T replaced by C.
Protein change: p.Ile1271Thr; replaces isoleucine 1271 with threonine.
Molecular consequence: missense variant.
Genome position (GRCh38, 1-based): chr11:108,284,292, T>C. VCF-style: chr11-108284292-T-C. GRCh37 (hg19) VCF-style: chr11-108155019-T-C.
Other names: c.3812T>C, p.Ile1271Thr (NM_001351834.2); short protein forms I1271T.
Identifiers: ClinVar variation 975015 (VCV000975015.14), dbSNP rs1308232635, ClinGen allele CA382524812.